The following is an entry in ClinVar:

ClinVar aggregate classification (germline): Uncertain significance. Review status: criteria provided, multiple submitters, no conflicts (2 of 4 stars). 2 submissions from 2 submitters: Uncertain significance (2). Last evaluated 2025-11-03.

Allele frequency attached by ClinVar (database versions not stated): gnomAD exomes 0.00009; gnomAD 0.00011; ExAC 0.00013; TOPMed 0.00014; ESP Exome Variant Server 0.00015.

Submissions (2):

Labcorp Genetics (formerly Invitae), Labcorp
Classification: Uncertain significance. Last evaluated: 2025-11-03. Review status: criteria provided, single submitter. Criteria: Invitae Variant Classification Sherloc (09022015). Collection method: clinical testing. Allele origin: germline.
Comment: This sequence change replaces arginine, which is basic and polar, with histidine, which is basic and polar, at codon 149 of the MCM2 protein (p.Arg149His). This variant is present in population databases (rs35343063, gnomAD 0.02%). This variant has not been reported in the literature in individuals affected with MCM2-related conditions. ClinVar contains an entry for this variant (Variation ID: 1513363). An algorithm developed to predict the effect of missense changes on protein structure and function (PolyPhen-2) suggests that this variant is likely to be disruptive. In summary, the available evidence is currently insufficient to determine the role of this variant in disease. Therefore, it has been classified as a Variant of Uncertain Significance.

Ambry Genetics
Classification: Uncertain significance. Last evaluated: 2024-09-04. Review status: criteria provided, single submitter. Criteria: Ambry Variant Classification Scheme 2023. Collection method: clinical testing. Allele origin: germline.

NM_004526.4(MCM2):c.446G>A (p.Arg149His)

Gene: MCM2 (minichromosome maintenance complex component 2; plus strand). Cytogenetic location: 3q21.3.
Variant type: single nucleotide variant.
Coding change: c.446G>A on transcript NM_004526.4 (MANE Select); coding-DNA position 446, G replaced by A.
Protein change: p.Arg149His; replaces arginine 149 with histidine.
Molecular consequence: missense variant. On other transcripts: non-coding transcript variant (1).
Genome position (GRCh38, 1-based): chr3:127,604,929, G>A. VCF-style: chr3-127604929-G-A. GRCh37 (hg19) VCF-style: chr3-127323772-G-A.
Other names: c.446G>A (NM_004526.2); short protein forms R149H.
Identifiers: ClinVar variation 1513363 (VCV001513363.9), dbSNP rs35343063, ClinGen allele CA2595589.
Genomic context (GRCh38, chr3:127,604,929, plus strand): 5'-AGTAGCAGGTGTCTCTTGCCTCCCCAGACAGCGATGAGGAGGACGAGGAGCGCCCTGCCC[G>A]CAAGCGCCGCCAGGTGGAGCGGGCCACGGAGGACGGCGAGGAGGACGAGGAGATGATCGA-3'
Protein context (NP_004517.2, residues 139-159): SDEEDEERPA[Arg149His]KRRQVERATE